The following is an entry in ClinVar:

ClinVar aggregate classification (germline): Uncertain significance. Review status: criteria provided, multiple submitters, no conflicts (2 of 4 stars). 2 submissions from 2 submitters: Uncertain significance (2). Last evaluated 2026-02-19.

Allele frequency attached by ClinVar (database versions not stated): gnomAD exomes 0.00001 and 0.00002; ExAC 0.00002; TOPMed 0.00012; gnomAD 0.00013 and 0.00016.
gnomAD v4.1: 29 of 1,614,044 alleles (0.0018%); highest among the groups gnomAD compares: African/African-American, 0.035%; no homozygotes.

Submissions (2):

GeneDx
Classification: Uncertain significance. Last evaluated: 2026-02-19. Review status: criteria provided, single submitter. Criteria: GeneDx Variant Classification Process June 2021. Collection method: clinical testing. Allele origin: germline.
Comment: In silico analysis supports that this missense variant has a deleterious effect on protein structure/function; Has not been previously published as pathogenic or benign to our knowledge

Labcorp Genetics (formerly Invitae), Labcorp
Classification: Uncertain significance. Last evaluated: 2022-10-05. Review status: criteria provided, single submitter. Criteria: Invitae Variant Classification Sherloc (09022015). Collection method: clinical testing. Allele origin: germline.
Comment: This sequence change replaces serine, which is neutral and polar, with phenylalanine, which is neutral and non-polar, at codon 67 of the MCM3AP protein (p.Ser67Phe). This variant is present in population databases (rs780426853, gnomAD 0.03%). This variant has not been reported in the literature in individuals affected with MCM3AP-related conditions. ClinVar contains an entry for this variant (Variation ID: 1359197). Algorithms developed to predict the effect of missense changes on protein structure and function are either unavailable or do not agree on the potential impact of this missense change (SIFT: "Deleterious"; PolyPhen-2: "Probably Damaging"; Align-GVGD: "Class C0"). In summary, the available evidence is currently insufficient to determine the role of this variant in disease. Therefore, it has been classified as a Variant of Uncertain Significance.

NM_003906.5(MCM3AP):c.200C>T (p.Ser67Phe)

Gene: MCM3AP (minichromosome maintenance complex component 3 associated protein; minus strand). Cytogenetic location: 21q22.3.
Variant type: single nucleotide variant.
Coding change: c.200C>T on transcript NM_003906.5 (MANE Select); coding-DNA position 200, C replaced by T.
Protein change: p.Ser67Phe; replaces serine 67 with phenylalanine.
Molecular consequence: missense variant.
Genome position (GRCh38, 1-based): chr21:46,285,087, G>A on the plus strand (C>T on the coding strand, the complement: MCM3AP is on the minus strand). VCF-style: chr21-46285087-G-A. GRCh37 (hg19) VCF-style: chr21-47705001-G-A.
Other names: c.200C>T (NM_003906.4); short protein forms S67F.
Identifiers: ClinVar variation 1359197 (VCV001359197.4), dbSNP rs780426853, ClinGen allele CA10077396.
Genomic context (GRCh38, chr21:46,285,087, plus strand): 5'-AGTCCAGAAAAGGGTCCAACACTTGAGGTTTGGGTGAACCCTAATGTTTGCACTGAAGAG[G>A]AATGACTTACTCCAGAAGACGCTGGAAAGCTGGATACCTGTGAAAATCCCGAGCTCTTCC-3'
Protein context (NP_003897.2, residues 57-77): SFPASSGVSH[Ser67Phe]SSVQTLGFTQ